The following is an entry in ClinVar:

NM_006015.6(ARID1A):c.4994-4dup

Gene: ARID1A (AT-rich interaction domain 1A; plus strand). Cytogenetic location: 1p36.11.
Variant type: Duplication.
Coding change: c.4994-4dup on transcript NM_006015.6 (MANE Select); 4 bases into the intron before coding-DNA position 4994, one base duplicated (T; older notation c.4994-4dupT).
Molecular consequence: intron variant.
Genome position (GRCh38, 1-based): chr1:26,775,573, T duplicated; the last of 3 consecutive T bases (chr1:26,775,571-26,775,573); duplicating any one gives the same sequence. VCF-style (leftmost placement, unchanged base first): chr1-26775570-A-AT. GRCh37 (hg19) VCF-style: chr1-27102061-A-AT.
Other names: c.4343-4dup (NM_139135.4).
Identifiers: ClinVar variation 1307453 (VCV001307453.4), dbSNP rs2124126066, ClinGen allele CA2573051550.

ClinVar aggregate classification (germline): Conflicting classifications of pathogenicity. Review status: criteria provided, conflicting classifications (1 of 4 stars). 2 submissions from 2 submitters: Uncertain significance (1); Likely benign (1). Last evaluated 2024-04-12.

Submissions (2):

Labcorp Genetics (formerly Invitae), Labcorp
Classification: Likely benign. Last evaluated: 2024-04-12. Review status: criteria provided, single submitter. Criteria: Invitae Variant Classification Sherloc (09022015). Collection method: clinical testing. Allele origin: germline.

GeneDx
Classification: Uncertain significance. Last evaluated: 2019-08-12. Review status: criteria provided, single submitter. Criteria: GeneDx Variant Classification Process June 2021. Collection method: clinical testing. Allele origin: germline. Affected: yes.
Comment: Not observed in large population cohorts (Lek et al., 2016); In silico analysis, which includes splice predictors and evolutionary conservation, supports that this variant does not alter protein structure/function; Has not been previously published as pathogenic or benign to our knowledge